The following is an entry in ClinVar:

NM_000341.4(SLC3A1):c.1011+3A>G

Gene: SLC3A1 (solute carrier family 3 member 1; plus strand). Cytogenetic location: 2p21.
Variant type: single nucleotide variant.
Coding change: c.1011+3A>G on transcript NM_000341.4 (MANE Select); 3 bases into the intron after coding-DNA position 1011, A replaced by G.
Molecular consequence: intron variant.
Genome position (GRCh38, 1-based): chr2:44,300,093, A>G. VCF-style: chr2-44300093-A-G. GRCh37 (hg19) VCF-style: chr2-44527232-A-G.
Identifiers: ClinVar variation 1476045 (VCV001476045.8), dbSNP rs1206425661, ClinGen allele CA769126885.

ClinVar aggregate classification (germline): Likely pathogenic (1 of 4 stars; one submission).

Conditions:
Cystinuria (CSNU). Also called: CYSTINURIA, TYPE I; CYSTINURIA, TYPE II; CYSTINURIA, TYPE III; Cystinuria, non-type I. Identifiers: Orphanet 214, MedGen C0010691, MONDO:0009067, OMIM 220100, HP:0003131.

Allele frequency attached by ClinVar (database versions not stated): TOPMed 0.00001.
gnomAD v4.1: 1 of 1,613,952 alleles (0.000062%); highest among the groups gnomAD compares: Middle Eastern, 0.017%; no homozygotes.

Submission:

Labcorp Genetics (formerly Invitae), Labcorp
Classification: Likely pathogenic for Cystinuria. Last evaluated: 2026-01-18. Review status: criteria provided, single submitter. Criteria: Invitae Variant Classification Sherloc (09022015). Collection method: clinical testing. Allele origin: germline.
Comment: This sequence change falls in intron 5 of the SLC3A1 gene. It does not directly change the encoded amino acid sequence of the SLC3A1 protein. It affects a nucleotide within the consensus splice site. This variant is not present in population databases (gnomAD no frequency). This variant has been observed in individual(s) with cystinuria (internal data). ClinVar contains an entry for this variant (Variation ID: 1476045). Variants that disrupt the consensus splice site are a relatively common cause of aberrant splicing (PMID: 17576681, 9536098). Algorithms developed to predict the effect of sequence changes on RNA splicing suggest that this variant may disrupt the consensus splice site. In summary, the currently available evidence indicates that the variant is pathogenic, but additional data are needed to prove that conclusively. Therefore, this variant has been classified as Likely Pathogenic.

Literature cited by the submitters: PubMed 17576681; PubMed 9536098.